The following is an entry in ClinVar:

NM_173076.3(ABCA12):c.4579+8T>G

Gene: ABCA12 (ATP binding cassette subfamily A member 12; minus strand). Cytogenetic location: 2q35.
Variant type: single nucleotide variant.
Coding change: c.4579+8T>G on transcript NM_173076.3 (MANE Select); 8 bases into the intron after coding-DNA position 4579, T replaced by G.
Molecular consequence: intron variant.
Genome position (GRCh38, 1-based): chr2:214,982,179, A>C on the plus strand (T>G on the coding strand, the complement: ABCA12 is on the minus strand). VCF-style: chr2-214982179-A-C. GRCh37 (hg19) VCF-style: chr2-215846903-A-C.
Other names: c.4579+8T>G (NM_173076.2); c.3625+8T>G (NM_015657.4).
Identifiers: ClinVar variation 2075200 (VCV002075200.6), dbSNP rs780759385, ClinGen allele CA1042218538.

ClinVar aggregate classification (germline): Likely benign. Review status: criteria provided, single submitter (1 of 4 stars). 2 submissions from 2 submitters: Likely benign (1). 1 of the submissions does not count toward it. Last evaluated 2026-02-04.

Conditions:
ABCA12-related disorder. Also called: ABCA12-related condition.

Submissions (2):

Labcorp Genetics (formerly Invitae), Labcorp
Classification: Likely benign. Last evaluated: 2026-02-04. Review status: criteria provided, single submitter. Criteria: Invitae Variant Classification Sherloc (09022015). Collection method: clinical testing. Allele origin: germline.

PreventionGenetics, part of Exact Sciences
Classification: Likely benign for ABCA12-related condition. Last evaluated: 2020-07-03. Review status: no assertion criteria provided. Collection method: clinical testing. Allele origin: germline. Not counted in ClinVar's aggregate classification.
Comment: This variant is classified as likely benign based on ACMG/AMP sequence variant interpretation guidelines (Richards et al. 2015 PMID: 25741868, with internal and published modifications).